The following is an entry in ClinVar:

NM_001378120.1(MBD5):c.3597A>G (p.Leu1199=)

Gene: MBD5 (methyl-CpG binding domain protein 5; plus strand). Cytogenetic location: 2q23.1.
Variant type: single nucleotide variant.
Coding change: c.3597A>G on transcript NM_001378120.1 (MANE Select); coding-DNA position 3597, A replaced by G.
Protein change: p.Leu1199=; no amino-acid change (leucine 1199 retained).
Molecular consequence: synonymous variant.
Genome position (GRCh38, 1-based): chr2:148,485,794, A>G. VCF-style: chr2-148485794-A-G. GRCh37 (hg19) VCF-style: chr2-149243363-A-G.
Other names: c.2898A>G, p.Leu966= (NM_018328.5).
Identifiers: ClinVar variation 508915 (VCV000508915.6), dbSNP rs968871300, ClinGen allele CA57594188.
Genomic context (GRCh38, chr2:148,485,794, plus strand): 5'-AACTGTAGGTGATATGTCATCAATAAACAATACTTTGAGTAACCATCAACTGACTCATCT[A>G]CAGTCGCTGTTAAACAACAATCAGATGTTTCCTCCAAATCAGCAACAGCAGCAACTTCTC-3'
Protein context (NP_001365049.1, residues 1189-1209): NTLSNHQLTH[Leu1199=]QSLLNNNQMF

ClinVar aggregate classification (germline): Likely benign. Review status: criteria provided, multiple submitters, no conflicts (2 of 4 stars). 2 submissions from 2 submitters: Likely benign (2). Last evaluated 2025-11-12.

Conditions:
Intellectual developmental disorder, autosomal dominant 1. Also called: MBD5 Haploinsufficiency; Intellectual disability, autosomal dominant 1. Identifiers: Orphanet 228402, MedGen C1969562, MONDO:0007974, OMIM 156200.

Allele frequency attached by ClinVar (database versions not stated): gnomAD 0.00001.
gnomAD v4.1: 3 of 1,613,942 alleles (0.00019%); highest among the groups gnomAD compares: Non-Finnish European, 0.000085%; no homozygotes.

Submissions (2):

Labcorp Genetics (formerly Invitae), Labcorp
Classification: Likely benign for Intellectual developmental disorder, autosomal dominant 1. Last evaluated: 2025-11-12. Review status: criteria provided, single submitter. Criteria: Invitae Variant Classification Sherloc (09022015). Collection method: clinical testing. Allele origin: germline.

GeneDx
Classification: Likely benign. Last evaluated: 2017-04-13. Review status: criteria provided, single submitter. Criteria: GeneDx Variant Classification (06012015). Collection method: clinical testing. Allele origin: germline. Affected: yes.
Comment: This variant is considered likely benign or benign based on one or more of the following criteria: it is a conservative change, it occurs at a poorly conserved position in the protein, it is predicted to be benign by multiple in silico algorithms, and/or has population frequency not consistent with disease.